The following is an entry in ClinVar:

ClinVar aggregate classification (germline): Uncertain significance. Review status: criteria provided, multiple submitters, no conflicts (2 of 4 stars). 4 submissions from 4 submitters: Uncertain significance (4). Last evaluated 2025-11-10.

Conditions:
Hereditary cancer-predisposing syndrome. Also called: Tumor predisposition; Neoplastic Syndromes, Hereditary; Hereditary Cancer Syndrome; Hereditary neoplastic syndrome. Identifiers: Orphanet 140162, MedGen C0027672, MeSH D009386, MONDO:0015356.
Tuberous sclerosis syndrome (TSC). Also called: Tuberous Sclerosis Complex; Tuberous sclerosis. Identifiers: Orphanet 805, MedGen C0041341, MONDO:0001734.
Tuberous sclerosis 2 (TSC2). Identifiers: Orphanet 805, MedGen C1860707, MONDO:0013199, OMIM 613254.

gnomAD v4.1: 16 of 1,612,964 alleles (0.00099%); highest among the groups gnomAD compares: Non-Finnish European, 0.0014%; no homozygotes.

Submissions (4):

Labcorp Genetics (formerly Invitae), Labcorp
Classification: Uncertain significance for Tuberous sclerosis 2. Last evaluated: 2025-11-10. Review status: criteria provided, single submitter. Criteria: Invitae Variant Classification Sherloc (09022015). Collection method: clinical testing. Allele origin: germline.
Comment: This sequence change replaces tryptophan, which is neutral and slightly polar, with cysteine, which is neutral and slightly polar, at codon 1740 of the TSC2 protein (p.Trp1740Cys). This variant is not present in population databases (gnomAD no frequency). This variant has not been reported in the literature in individuals affected with TSC2-related conditions. ClinVar contains an entry for this variant (Variation ID: 486653). Invitae Evidence Modeling of protein sequence and biophysical properties (such as structural, functional, and spatial information, amino acid conservation, physicochemical variation, residue mobility, and thermodynamic stability) indicates that this missense variant is expected to disrupt TSC2 protein function with a positive predictive value of 95%. In summary, the available evidence is currently insufficient to determine the role of this variant in disease. Therefore, it has been classified as a Variant of Uncertain Significance.

Ambry Genetics
Classification: Uncertain significance for Hereditary cancer-predisposing syndrome. Last evaluated: 2025-02-13. Review status: criteria provided, single submitter. Criteria: Ambry Variant Classification Scheme 2023. Collection method: clinical testing. Allele origin: germline.
Comment: The p.W1740C variant (also known as c.5220G>T), located in coding exon 40 of the TSC2 gene, results from a G to T substitution at nucleotide position 5220. The tryptophan at codon 1740 is replaced by cysteine, an amino acid with highly dissimilar properties. This amino acid position is highly conserved in available vertebrate species. In addition, this alteration is predicted to be deleterious by in silico analysis. Based on the available evidence, the clinical significance of this variant remains unclear.

Color Diagnostics, LLC DBA Color Health
Classification: Uncertain significance for Tuberous sclerosis syndrome. Last evaluated: 2024-03-06. Review status: criteria provided, single submitter. Criteria: ACMG Guidelines, 2015. Collection method: clinical testing. Allele origin: germline.
Comment: This missense variant replaces tryptophan with cysteine at codon 1740 of the TSC2 protein. Computational prediction suggests that this variant may have deleterious impact on protein structure and function. To our knowledge, functional studies have not been reported for this variant. This variant has not been reported in individuals affected with TSC2-related disorders in the literature. This variant has not been identified in the general population by the Genome Aggregation Database (gnomAD). The available evidence is insufficient to determine the role of this variant in disease conclusively. Therefore, this variant is classified as a Variant of Uncertain Significance.

All of Us Research Program, National Institutes of Health
Classification: Uncertain significance for Tuberous sclerosis syndrome. Last evaluated: 2023-05-04. Review status: criteria provided, single submitter. Criteria: ACMG Guidelines, 2015. Collection method: clinical testing. Allele origin: germline. Inheritance: Autosomal dominant inheritance. Observed: 1 variant allele, 1 heterozygote.
Comment: This missense variant replaces tryptophan with cysteine at codon 1740 of the TSC2 protein. Computational prediction suggests that this variant may have deleterious impact on protein structure and function (internally defined REVEL score threshold >= 0.7, PMID: 27666373). To our knowledge, functional studies have not been reported for this variant. This variant has not been reported in individuals affected with TSC2-related disorders in the literature. This variant has not been identified in the general population by the Genome Aggregation Database (gnomAD). The available evidence is insufficient to determine the role of this variant in disease conclusively. Therefore, this variant is classified as a Variant of Uncertain Significance.

This study involves interpretation of variants in research participants for the purpose of population health screening. Participant phenotype was not available at the time of variant classification. Additional details can be found in publication PMID: 35346344, PMCID: PMC8962531

NM_000548.5(TSC2):c.5220G>T (p.Trp1740Cys)

Gene: TSC2 (TSC complex subunit 2; plus strand). Cytogenetic location: 16p13.3.
Variant type: single nucleotide variant.
Coding change: c.5220G>T on transcript NM_000548.5 (MANE Select); coding-DNA position 5220, G replaced by T.
Protein change: p.Trp1740Cys; replaces tryptophan 1740 with cysteine.
Molecular consequence: missense variant.
Genome position (GRCh38, 1-based): chr16:2,088,286, G>T. VCF-style: chr16-2088286-G-T. GRCh37 (hg19) VCF-style: chr16-2138287-G-T.
Other names: c.5019G>T, p.Trp1673Cys (NM_001077183.3); c.5151G>T, p.Trp1717Cys (NM_001114382.3); c.4911G>T, p.Trp1637Cys (NM_001318827.2); c.4875G>T, p.Trp1625Cys (NM_001318829.2); c.4488G>T, p.Trp1496Cys (NM_001318831.2); c.5052G>T, p.Trp1684Cys (NM_001318832.2); c.5022G>T, p.Trp1674Cys (NM_001363528.2); c.5088G>T, p.Trp1696Cys (NM_001370404.1); and 2 more; short protein forms W1740C, W1496C, W1673C, W1717C, W1625C, W1674C, W1684C, W1696C.
Identifiers: ClinVar variation 486653 (VCV000486653.16), dbSNP rs45517411, ClinGen allele CA394314479.